The following is an entry in ClinVar:

NM_001166108.2(PALLD):c.1906C>T (p.Pro636Ser)

Gene: PALLD (palladin, cytoskeletal associated protein; plus strand). Cytogenetic location: 4q32.3.
Variant type: single nucleotide variant.
Coding change: c.1906C>T on transcript NM_001166108.2 (MANE Select); coding-DNA position 1906, C replaced by T.
Protein change: p.Pro636Ser; replaces proline 636 with serine.
Molecular consequence: missense variant.
Genome position (GRCh38, 1-based): chr4:168,711,865, C>T. VCF-style: chr4-168711865-C-T. GRCh37 (hg19) VCF-style: chr4-169633016-C-T.
Other names: c.760C>T, p.Pro254Ser (NM_001166109.2); c.1906C>T, p.Pro636Ser (NM_016081.4); short protein forms P254S, P636S.
Identifiers: ClinVar variation 3413612 (VCV003413612.1).

ClinVar aggregate classification (germline): Uncertain significance (1 of 4 stars; one submission).

gnomAD v4.1: 1 of 1,614,168 alleles (0.000062%); highest among the groups gnomAD compares: South Asian, 0.0011%; no homozygotes.

Submission:

Ambry Genetics
Classification: Uncertain significance. Last evaluated: 2024-09-02. Review status: criteria provided, single submitter. Criteria: Ambry Variant Classification Scheme 2023. Collection method: clinical testing. Allele origin: germline.
Comment: The p.P636S variant (also known as c.1906C>T), located in coding exon 9 of the PALLD gene, results from a C to T substitution at nucleotide position 1906. The proline at codon 636 is replaced by serine, an amino acid with similar properties. This amino acid position is conserved. In addition, this alteration is predicted to be tolerated by in silico analysis. Based on the available evidence, the clinical significance of this variant remains unclear.